The following is an entry in ClinVar:

ClinVar aggregate classification (germline): Uncertain significance (1 of 4 stars; one submission).

Submission:

Labcorp Genetics (formerly Invitae), Labcorp
Classification: Uncertain significance. Last evaluated: 2022-02-22. Review status: criteria provided, single submitter. Criteria: Invitae Variant Classification Sherloc (09022015). Collection method: clinical testing. Allele origin: germline.
Comment: This sequence change replaces serine, which is neutral and polar, with threonine, which is neutral and polar, at codon 1240 of the ERCC6 protein (p.Ser1240Thr). This variant is not present in population databases (gnomAD no frequency). This variant has not been reported in the literature in individuals affected with ERCC6-related conditions. Algorithms developed to predict the effect of missense changes on protein structure and function (SIFT, PolyPhen-2, Align-GVGD) all suggest that this variant is likely to be tolerated. In summary, the available evidence is currently insufficient to determine the role of this variant in disease. Therefore, it has been classified as a Variant of Uncertain Significance.

NM_000124.4(ERCC6):c.3719G>C (p.Ser1240Thr)

Gene: ERCC6 (ERCC excision repair 6, chromatin remodeling factor; minus strand). Cytogenetic location: 10q11.23.
Variant type: single nucleotide variant.
Coding change: c.3719G>C on transcript NM_000124.4 (MANE Select); coding-DNA position 3719, G replaced by C.
Protein change: p.Ser1240Thr; replaces serine 1240 with threonine.
Molecular consequence: missense variant.
Genome position (GRCh38, 1-based): chr10:49,470,241, C>G on the plus strand (G>C on the coding strand, the complement: ERCC6 is on the minus strand). VCF-style: chr10-49470241-C-G. GRCh37 (hg19) VCF-style: chr10-50678287-C-G.
Other names: c.3719G>C, p.Ser1240Thr (NM_001346440.2); short protein forms S1240T.
Identifiers: ClinVar variation 2096462 (VCV002096462.4), dbSNP rs142219494, ClinGen allele CA376712656.
Genomic context (GRCh38, chr10:49,470,241, plus strand): 5'-CCTGATTTTTTGAAAAGCTTTTCCAAAACATAATCGTCATTGCTCTGTTCCTTGGCCTCA[C>G]TCTTGTTTTCACTGTCTTGCTTCTGGTAACGCCTTTTCTTCACCAGGTGTGGAATTCGAG-3'
Protein context (NP_000115.1, residues 1230-1250): RYQKQDSENK[Ser1240Thr]EAKEQSNDDY